The following is an entry in ClinVar:

NM_001267550.2(TTN):c.46788A>G (p.Lys15596=)

Genes: TTN (titin; minus strand), TTN-AS1 (TTN antisense RNA 1; plus strand). Cytogenetic location: 2q31.2.
Variant type: single nucleotide variant.
Coding change: c.46788A>G on transcript NM_001267550.2 (MANE Select); coding-DNA position 46788, A replaced by G.
Protein change: p.Lys15596=; no amino-acid change (lysine 15596 retained).
Molecular consequence: synonymous variant.
Genome position (GRCh38, 1-based): chr2:178,618,762, T>C on the plus strand (A>G on the coding strand, the complement: TTN is on the minus strand). VCF-style: chr2-178618762-T-C. GRCh37 (hg19) VCF-style: chr2-179483489-T-C.
Other names: c.41865A>G, p.Lys13955= (NM_001256850.1); c.19593A>G, p.Lys6531= (NM_003319.4); c.39084A>G, p.Lys13028= (NM_133378.4); c.19968A>G, p.Lys6656= (NM_133432.3); c.20169A>G, p.Lys6723= (NM_133437.4).
Identifiers: ClinVar variation 1343736 (VCV001343736.1), dbSNP rs1576521599, ClinGen allele CA430108328.

ClinVar aggregate classification (germline): Likely benign (1 of 4 stars; one submission).

Submission:

Women's Health and Genetics/Laboratory Corporation of America, LabCorp
Classification: Likely benign. Last evaluated: 2022-02-07. Review status: criteria provided, single submitter. Criteria: LabCorp Variant Classification Summary - May 2015. Collection method: clinical testing. Allele origin: germline.
Comment: Variant summary: TTN c.39084A>G alters a non-conserved nucleotide resulting in a synonymous change. 4/4 computational tools predict no significant impact on normal splicing. However, these predictions have yet to be confirmed by functional studies. The variant was absent in 246870 control chromosomes. The available data on variant occurrences in the general population are insufficient to allow any conclusion about variant significance. To our knowledge, no occurrence of c.39084A>G in individuals affected with Dilated Cardiomyopathy/Limb-Girdle Muscular Dystrophy, Type 2J, or TTN-related disorders and no experimental evidence demonstrating its impact on protein function have been reported. No clinical diagnostic laboratories have submitted clinical-significance assessments for this variant to ClinVar after 2014. Based on the evidence outlined above, the variant was classified as likely benign.